The following is an entry in ClinVar:

ClinVar aggregate classification (germline): Benign/Likely benign. Review status: criteria provided, multiple submitters, no conflicts (2 of 4 stars). 5 submissions from 5 submitters: Benign (3); Likely benign (1). 1 of the submissions does not count toward it. Last evaluated 2025-12-16.

Conditions:
CDC14A-related disorder. Also called: CDC14A-related condition.

Allele frequency attached by ClinVar (database versions not stated): gnomAD exomes 0.00037; ExAC 0.00118; 1000 Genomes Project 30x 0.00187; 1000 Genomes Project 0.00220; gnomAD 0.00462; TOPMed 0.00482; ESP Exome Variant Server 0.00554.
gnomAD v4.1: 1,217 of 1,607,152 alleles (0.076%); highest among the groups gnomAD compares: African/African-American, 1.4%; 8 homozygotes.

Submissions (5):

Labcorp Genetics (formerly Invitae), Labcorp
Classification: Benign. Last evaluated: 2025-12-16. Review status: criteria provided, single submitter. Criteria: Invitae Variant Classification Sherloc (09022015). Collection method: clinical testing. Allele origin: germline.

Blueprint Genetics
Classification: Likely benign. Last evaluated: 2024-11-20. Review status: criteria provided, single submitter. Criteria: ACMG Guidelines, 2015. Collection method: clinical testing. Allele origin: germline.

GeneDx
Classification: Benign. Last evaluated: 2018-08-14. Review status: criteria provided, single submitter. Criteria: GeneDx Variant Classification Process June 2021. Collection method: clinical testing. Allele origin: germline. Affected: yes.

Laboratory for Molecular Medicine, Mass General Brigham Personalized Medicine
Classification: Benign. Last evaluated: 2017-08-23. Review status: criteria provided, single submitter. Criteria: LMM Criteria. Collection method: clinical testing. Allele origin: germline. Observed: 1 variant allele.
Comment: c.608-10G>A in intron 8 of CDC14A: This variant is not expected to have clinical significance because it has been identified in 1.32% (135/10232) of African chr omosomes by the Exome Aggregation Consortium (ExAC, rg; dbSNP rs114626664).

PreventionGenetics, part of Exact Sciences
Classification: Benign for CDC14A-related condition. Last evaluated: 2019-11-14. Review status: no assertion criteria provided. Collection method: clinical testing. Allele origin: germline. Not counted in ClinVar's aggregate classification.
Comment: This variant is classified as benign based on ACMG/AMP sequence variant interpretation guidelines (Richards et al. 2015 PMID: 25741868, with internal and published modifications).

NM_003672.4(CDC14A):c.608-10G>A

Gene: CDC14A (cell division cycle 14A; plus strand). Cytogenetic location: 1p21.2.
Variant type: single nucleotide variant.
Coding change: c.608-10G>A on transcript NM_003672.4 (MANE Select); 10 bases into the intron before coding-DNA position 608, G replaced by A.
Molecular consequence: intron variant.
Genome position (GRCh38, 1-based): chr1:100,462,641, G>A. VCF-style: chr1-100462641-G-A. GRCh37 (hg19) VCF-style: chr1-100928197-G-A.
Other names: c.434-10G>A (NM_001319211.2); c.608-10G>A (NM_001319210.2, NM_033312.3, NM_033313.3 and 1 more transcripts); c.-272-10G>A (NM_001319212.2).
Identifiers: ClinVar variation 506036 (VCV000506036.16), dbSNP rs114626664, ClinGen allele CA970652.